The following is an entry in ClinVar:

ClinVar aggregate classification (germline): Conflicting classifications of pathogenicity. Review status: criteria provided, conflicting classifications (1 of 4 stars). 3 submissions from 3 submitters: Uncertain significance (2); Benign (1). Last evaluated 2025-10-28.

Conditions:
Hereditary cancer-predisposing syndrome. Also called: Hereditary Cancer Syndrome; Neoplastic Syndromes, Hereditary; Tumor predisposition; Hereditary neoplastic syndrome. Identifiers: Orphanet 140162, MedGen C0027672, MeSH D009386, MONDO:0015356.
Fanconi anemia complementation group O. Also called: RAD51C-Related Fanconi Anemia. Identifiers: Orphanet 84, MedGen C3150653, MONDO:0013248, OMIM 613390.

Allele frequency attached by ClinVar (database versions not stated): gnomAD 0.00001.
gnomAD v4.1: 2 of 1,614,112 alleles (0.00012%); no homozygotes.

Submissions (3):

Ambry Genetics
Classification: Benign for Hereditary cancer-predisposing syndrome. Last evaluated: 2025-10-28. Review status: criteria provided, single submitter. Criteria: Ambry Variant Classification Scheme 2023. Collection method: clinical testing. Allele origin: germline.

Color Diagnostics, LLC DBA Color Health
Classification: Uncertain significance for Hereditary cancer-predisposing syndrome. Last evaluated: 2023-12-05. Review status: criteria provided, single submitter. Criteria: ACMG Guidelines, 2015. Collection method: clinical testing. Allele origin: germline.
Comment: This missense variant replaces arginine with glutamine at codon 12 of the RAD51C protein. Computational prediction suggests that this variant may not impact protein structure and function (internally defined REVEL score threshold <= 0.5, PMID: 27666373). To our knowledge, functional studies have not been reported for this variant. This variant has not been reported in individuals affected with RAD51C-related disorders in the literature. This variant has not been identified in the general population by the Genome Aggregation Database (gnomAD). The available evidence is insufficient to determine the role of this variant in disease conclusively. Therefore, this variant is classified as a Variant of Uncertain Significance.

Labcorp Genetics (formerly Invitae), Labcorp
Classification: Uncertain significance for Fanconi anemia complementation group O. Last evaluated: 2022-10-30. Review status: criteria provided, single submitter. Criteria: Invitae Variant Classification Sherloc (09022015). Collection method: clinical testing. Allele origin: germline.
Comment: In summary, the available evidence is currently insufficient to determine the role of this variant in disease. Therefore, it has been classified as a Variant of Uncertain Significance. Algorithms developed to predict the effect of missense changes on protein structure and function are either unavailable or do not agree on the potential impact of this missense change (SIFT: "Tolerated"; PolyPhen-2: "Probably Damaging"; Align-GVGD: "Class C0"). ClinVar contains an entry for this variant (Variation ID: 631170). This variant has not been reported in the literature in individuals affected with RAD51C-related conditions. This variant is not present in population databases (gnomAD no frequency). This sequence change replaces arginine, which is basic and polar, with glutamine, which is neutral and polar, at codon 12 of the RAD51C protein (p.Arg12Gln).

NM_058216.3(RAD51C):c.35G>A (p.Arg12Gln)

Gene: RAD51C (RAD51 paralog C; plus strand). Cytogenetic location: 17q22.
Variant type: single nucleotide variant.
Coding change: c.35G>A on transcript NM_058216.3 (MANE Select); coding-DNA position 35, G replaced by A.
Protein change: p.Arg12Gln; replaces arginine 12 with glutamine.
Molecular consequence: missense variant. On other transcripts: non-coding transcript variant (2).
Genome position (GRCh38, 1-based): chr17:58,692,678, G>A. VCF-style: chr17-58692678-G-A. GRCh37 (hg19) VCF-style: chr17-56770039-G-A.
Other names: c.35G>A, p.Arg12Gln (NM_002876.4); short protein forms R12Q.
Identifiers: ClinVar variation 631170 (VCV000631170.12), dbSNP rs764394130, ClinGen allele CA400336438.